The following is an entry in ClinVar:

ClinVar aggregate classification (germline): Likely pathogenic (1 of 4 stars; one submission).

Submission:

Labcorp Genetics (formerly Invitae), Labcorp
Classification: Likely pathogenic. Last evaluated: 2022-03-20. Review status: criteria provided, single submitter. Criteria: Invitae Variant Classification Sherloc (09022015). Collection method: clinical testing. Allele origin: germline.
Comment: In summary, the currently available evidence indicates that the variant is pathogenic, but additional data are needed to prove that conclusively. Therefore, this variant has been classified as Likely Pathogenic. This variant has not been reported in the literature in individuals affected with ACAD9-related conditions. This variant results in a copy number gain of the genomic region encompassing exon(s) 5-17 of the ACAD9 gene. While the exact position of this variant cannot be determined from the data, sub-genic copy number gains are generally in tandem (PMID: 25640679). This variant is predicted to be out-of-frame, and may result in an absent or disrupted protein product. Loss-of-function variants in ACAD9 are known to be pathogenic (PMID: 25721401).

Literature cited by the submitters: PubMed 25640679; PubMed 25721401.

NC_000003.11:g.(?_128615269)_(128629666_?)dup

Gene: ACAD9 (acyl-CoA dehydrogenase family member 9; plus strand). Cytogenetic location: 3q21.3.
Variant type: Duplication.
Identifiers: ClinVar variation 2425885 (VCV002425885.4).